The following is an entry in ClinVar:

NM_007294.4(BRCA1):c.1546G>C (p.Asp516His)

Gene: BRCA1 (BRCA1 DNA repair associated; minus strand). Cytogenetic location: 17q21.31.
Variant type: single nucleotide variant.
Coding change: c.1546G>C on transcript NM_007294.4 (MANE Select); coding-DNA position 1546, G replaced by C.
Protein change: p.Asp516His; replaces aspartic acid 516 with histidine.
Molecular consequence: missense variant. On other transcripts: intron variant (137).
Genome position (GRCh38, 1-based): chr17:43,093,985, C>G on the plus strand (G>C on the coding strand, the complement: BRCA1 is on the minus strand). VCF-style: chr17-43093985-C-G. GRCh37 (hg19) VCF-style: chr17-41246002-C-G.
Other names: c.1333G>C, p.Asp445His (NM_001407571.1, NM_001407853.1, NM_001407894.1 and 9 more transcripts); c.1546G>C, p.Asp516His (NM_001407581.1, NM_001407582.1, NM_001407583.1 and 30 more transcripts); c.1543G>C, p.Asp515His (NM_001407587.1, NM_001407590.1, NM_001407591.1 and 22 more transcripts); c.1537G>C, p.Asp513His (NM_001407646.1, NM_001407647.1); c.1423G>C, p.Asp475His (NM_001407648.1, NM_001407664.1, NM_001407665.1 and 19 more transcripts); c.1420G>C, p.Asp474His (NM_001407649.1, NM_001407670.1, NM_001407671.1 and 11 more transcripts); c.1468G>C, p.Asp490His (NM_001407653.1, NM_001407654.1, NM_001407655.1 and 4 more transcripts); c.1465G>C, p.Asp489His (NM_001407659.1, NM_001407660.1, NM_001407661.1 and 1 more transcripts); and 40 more; short protein forms D388H, D404H, D427H, D468H, D475H, D489H, D220H, D389H.
Identifiers: ClinVar variation 2138043 (VCV002138043.7), dbSNP rs2154438253, ClinGen allele CA10598959.

ClinVar aggregate classification (germline): Conflicting classifications of pathogenicity. Review status: criteria provided, conflicting classifications (1 of 4 stars). 3 submissions from 3 submitters: Uncertain significance (2); Likely benign (1). Last evaluated 2023-03-23.

Conditions:
Hereditary cancer-predisposing syndrome. Also called: Neoplastic Syndromes, Hereditary; Hereditary Cancer Syndrome; Tumor predisposition; Hereditary neoplastic syndrome. Identifiers: Orphanet 140162, MedGen C0027672, MeSH D009386, MONDO:0015356.
Hereditary breast ovarian cancer syndrome. Also called: Hereditary breast and ovarian cancer; Hereditary breast and/or ovarian cancer syndrome; Breast and ovarian cancer; Hereditary breast and ovarian cancer syndrome; Hereditary breast and ovarian cancer syndrome (HBOC); BRCA1- and BRCA2-Associated Hereditary Breast and Ovarian Cancer. Identifiers: Orphanet 145, MedGen C0677776, MeSH D061325, MONDO:0003582. Disease mechanism: loss of function.

Submissions (3):

University of Washington Department of Laboratory Medicine, University of Washington
Classification: Likely benign for Hereditary cancer-predisposing syndrome. Last evaluated: 2023-03-23. Review status: criteria provided, single submitter. Criteria: Dines et al. (Genet Med. 2020). Collection method: curation. Allele origin: germline.
Comment: Missense variant in a coldspot region where missense variants are very unlikely to be pathogenic (PMID:31911673).

BRCA1 coldspot (exon 11 using historical exon numbering). Reclassification based on statistical prior probability

Labcorp Genetics (formerly Invitae), Labcorp
Classification: Uncertain significance for Hereditary breast ovarian cancer syndrome. Last evaluated: 2022-11-08. Review status: criteria provided, single submitter. Criteria: Invitae Variant Classification Sherloc (09022015). Collection method: clinical testing. Allele origin: germline.
Comment: In summary, the available evidence is currently insufficient to determine the role of this variant in disease. Therefore, it has been classified as a Variant of Uncertain Significance. This variant is not present in population databases (gnomAD no frequency). This missense change has been observed in individual(s) with colorectal cancer (PMID: 28135145). This sequence change replaces aspartic acid, which is acidic and polar, with histidine, which is basic and polar, at codon 516 of the BRCA1 protein (p.Asp516His). Advanced modeling of protein sequence and biophysical properties (such as structural, functional, and spatial information, amino acid conservation, physicochemical variation, residue mobility, and thermodynamic stability) has been performed at Invitae for this missense variant, however the output from this modeling did not meet the statistical confidence thresholds required to predict the impact of this variant on BRCA1 protein function.

Color Diagnostics, LLC DBA Color Health
Classification: Uncertain significance for Hereditary cancer-predisposing syndrome. Last evaluated: 2021-09-22. Review status: criteria provided, single submitter. Criteria: ACMG Guidelines, 2015. Collection method: clinical testing. Allele origin: germline.
Comment: This missense variant replaces aspartic acid with histidine at codon 516 of the BRCA1 protein. Computational prediction suggests that this variant may have deleterious impact on protein structure and function (internally defined REVEL score threshold >= 0.7, PMID: 27666373). To our knowledge, functional studies have not been reported for this variant. This variant has not been reported in individuals affected with hereditary cancer in the literature. This variant has not been identified in the general population by the Genome Aggregation Database (gnomAD). The available evidence is insufficient to determine the role of this variant in disease conclusively. Therefore, this variant is classified as a Variant of Uncertain Significance.

Literature cited by the submitters: PubMed 28135145 (cited by Labcorp Genetics (formerly Invitae), Labcorp).